The following is an entry in ClinVar:

NM_147127.5(EVC2):c.121_131dup (p.Gln45fs)

Gene: EVC2 (EvC ciliary complex subunit 2; minus strand). Cytogenetic location: 4p16.2.
Variant type: Duplication.
Coding change: c.121_131dup on transcript NM_147127.5 (MANE Select); coding-DNA positions 121 to 131, 11 bases duplicated (CCCCTCGGCGC).
Protein change: p.Gln45fs; shifts the reading frame from glutamine 45.
Molecular consequence: frameshift variant. On other transcripts: intron variant (1).
Genome position (GRCh38, 1-based): chr4:5,708,383-5,708,393, GCGCCGAGGGG duplicated on the plus strand (CCCCTCGGCGC on the coding strand, the reverse complement: EVC2 is on the minus strand); duplicating any 11 consecutive bases within chr4:5,708,383-5,708,398 gives the same sequence; the c. name uses the placement nearest the transcript's 3' end. VCF-style (leftmost placement, unchanged base first): chr4-5708382-C-CGCGCCGAGGGG. GRCh37 (hg19) VCF-style: chr4-5710109-C-CGCGCCGAGGGG.
Other names: c.-13+436_-13+446dup (NM_001166136.2); short protein forms Q45fs.
Identifiers: ClinVar variation 5004117 (VCV005004117.1).

ClinVar aggregate classification (germline): Pathogenic (1 of 4 stars; one submission).

Conditions:
Ellis-van Creveld syndrome (EVC). Also called: Chondroectodermal dysplasia; MESOECTODERMAL DYSPLASIA. Identifiers: Orphanet 289, MedGen C0013903, MONDO:0009162, OMIM 225500.

Submission:

Myriad Genetics, Inc.
Classification: Pathogenic for Ellis-van Creveld syndrome. Last evaluated: 2025-08-12. Review status: criteria provided, single submitter. Criteria: Myriad Autosomal Dominant, Autosomal Recessive and X-Linked Classification Criteria (2023). Collection method: clinical testing. Allele origin: unknown.
Comment: NM_147127.4(EVC2):c.121_131dup11(Q45Pfs*20) is a frameshift variant classified as pathogenic in the context of EVC2-related Ellis-van Creveld syndrome. Q45Pfs*20 has not been observed in cases with relevant disease. Relevant functional assessments of this variant are not available in the literature. Q45Pfs*20 has not been observed in referenced population frequency databases. In summary, NM_147127.4(EVC2):c.121_131dup11(Q45Pfs*20) is a frameshift variant in a gene where loss of function is a known mechanism of disease and is predicted to disrupt protein function. Please note: this variant was assessed in the context of healthy population screening.